The following is an entry in ClinVar:

ClinVar aggregate classification (germline): Uncertain significance (1 of 4 stars; one submission).

Conditions:
Hereditary cancer-predisposing syndrome. Also called: Hereditary neoplastic syndrome; Hereditary Cancer Syndrome; Neoplastic Syndromes, Hereditary; Tumor predisposition. Identifiers: Orphanet 140162, MedGen C0027672, MeSH D009386, MONDO:0015356.

Submission:

Ambry Genetics
Classification: Uncertain significance for Hereditary cancer-predisposing syndrome. Last evaluated: 2026-08-17. Review status: criteria provided, single submitter. Criteria: Ambry Variant Classification Scheme 2023. Collection method: clinical testing. Allele origin: germline.
Comment: The p.E104K variant (also known as c.310G>A), located in coding exon 3 of the BMPR1A gene, results from a G to A substitution at nucleotide position 310. The glutamic acid at codon 104 is replaced by lysine, an amino acid with similar properties. This amino acid position is highly conserved in available vertebrate species. In addition, this alteration is predicted to be deleterious by in silico analysis. Based on the available evidence, the clinical significance of this variant remains unclear.

NM_004329.3(BMPR1A):c.310G>A (p.Glu104Lys)

Gene: BMPR1A (bone morphogenetic protein receptor type 1A; plus strand). Cytogenetic location: 10q23.2.
Variant type: single nucleotide variant.
Coding change: c.310G>A on transcript NM_004329.3 (MANE Select); coding-DNA position 310, G replaced by A.
Protein change: p.Glu104Lys; replaces glutamic acid 104 with lysine.
Molecular consequence: missense variant. On other transcripts: non-coding transcript variant (3).
Genome position (GRCh38, 1-based): chr10:86,892,206, G>A. VCF-style: chr10-86892206-G-A. GRCh37 (hg19) VCF-style: chr10-88651963-G-A.
Other names: c.310G>A, p.Glu104Lys (NM_001406562.1, NM_001406563.1, NM_001406564.1 and 23 more transcripts); c.226G>A, p.Glu76Lys (NM_001406584.1, NM_001406585.1, NM_001406586.1 and 2 more transcripts); short protein forms E104K, E76K.
Identifiers: ClinVar variation 2626637 (VCV002626637.3), dbSNP rs2539446427, ClinGen allele CA377448242.